The following is an entry in ClinVar:

ClinVar aggregate classification (germline): Pathogenic/Likely pathogenic. Review status: criteria provided, multiple submitters, no conflicts (2 of 4 stars). 2 submissions from 2 submitters: Pathogenic (1); Likely pathogenic (1). Last evaluated 2022-03-31.

Conditions:
X-linked Alport syndrome (ATS1). Also called: NEPHROPATHY AND DEAFNESS, X-LINKED; COL4A5-Related Nephropathy. Identifiers: Orphanet 63, Orphanet 88917, MedGen C4746986, MONDO:0010520, OMIM 301050.

Submissions (2):

Victorian Clinical Genetics Services, Murdoch Childrens Research Institute
Classification: Pathogenic for X-linked Alport syndrome. Last evaluated: 2022-03-31. Review status: criteria provided, single submitter. Criteria: ACMG Guidelines, 2015. Collection method: clinical testing. Allele origin: germline. Inheritance: X-linked dominant inheritance. Affected: yes.
Comment: Based on the classification scheme VCGS_Germline_v1.3.4, this variant is classified as Pathogenic. Following criteria are met: 0103 - Dominant negative and loss of function are known mechanisms of disease in this gene and are associated with X-linked Alport syndrome 1 (MIM#301050). Dominant negative is caused mostly by glycine substitutions that affect the conformation of the protein, and loss of function can be caused by either protein truncating or missense variants (PMIDs: 24046192, 12028435). (I) 0110 - This gene is associated with X-linked dominant disease. Males are typically more severely affected than females (PMID: 19965530). (I) 0115 - Variants in this gene are known to have variable expressivity. There is intrafamilial variability among affected carrier females, possibly due to variable X-inactivation (PMID: 14514738). (I) 0200 - Variant is predicted to result in a missense amino acid change from glycine to arginine. (I) 0251 - This variant is heterozygous. (I) 0301 - Variant is absent from gnomAD (both v2 and v3). (SP) 0501 - Missense variant consistently predicted to be damaging by multiple in silico tools or highly conserved with a major amino acid change. (SP) 0601 - Variant is located in the well-established functional Gly-X-Y motif within the collagen triple helical domain, and affects a glycine residue (DECIPHER). (SP) 0703 - Other missense variants comparable to the one identified in this case have moderate previous evidence for pathogenicity. p.(Gly380Asp) and p.(Gly380Cys) have been observed in several affected individuals (LOVD, PMID: 17660027). (SP) 0803 - This variant has limited previous evidence of pathogenicity in two unrelated individuals with COL4A5-related conditions (LOVD, ClinVar). (SP) 0905 - No published segregation evidence has been identified for this variant. (I) 1007 - No published functional evidence has been identified for this variant. (I) 1208 - Inheritance information for this variant is not currently available in this individual. (I) Legend: (SP) - Supporting pathogenic, (I) - Information, (SB) - Supporting benign

Labcorp Genetics (formerly Invitae), Labcorp
Classification: Likely pathogenic. Last evaluated: 2019-05-24. Review status: criteria provided, single submitter. Criteria: Invitae Variant Classification Sherloc (09022015). Collection method: clinical testing. Allele origin: germline.
Comment: In summary, this variant is a novel missense change affecting a residue that is known to be critical for normal protein structure, stability and function. This type of missense change is also highly enriched in affected individuals and expected to be pathogenic. However, without additional functional and/or genetic data, this variant has been classified as Likely Pathogenic. Glycine residues within the Gly-Xaa-Yaa repeats of the triple helix domain are required for the structure and stability of fibrillar collagens (PMID: 7695699, 8218237, 19344236). In COL4A5, missense variants at these glycine residues are significantly enriched in individuals with disease (PMID: 23720012, 27627812) compared to the general population (ExAC). This variant has not been reported in the literature in individuals with COL4A5-related conditions. This sequence change replaces glycine with arginine at codon 380 of the COL4A5 protein (p.Gly380Arg). The glycine residue is moderately conserved and there is a moderate physicochemical difference between glycine and arginine. This variant is not present in population databases (ExAC no frequency).

Literature cited by the submitters: PubMed 12028435 (cited by Victorian Clinical Genetics Services, Murdoch Childrens Research Institute); PubMed 14514738 (cited by Victorian Clinical Genetics Services, Murdoch Childrens Research Institute); PubMed 17660027 (cited by Victorian Clinical Genetics Services, Murdoch Childrens Research Institute); PubMed 19965530 (cited by Victorian Clinical Genetics Services, Murdoch Childrens Research Institute); PubMed 24046192 (cited by Victorian Clinical Genetics Services, Murdoch Childrens Research Institute); PubMed 7695699 (cited by Labcorp Genetics (formerly Invitae), Labcorp); PubMed 8218237 (cited by Labcorp Genetics (formerly Invitae), Labcorp); PubMed 19344236 (cited by Labcorp Genetics (formerly Invitae), Labcorp); PubMed 23720012 (cited by Labcorp Genetics (formerly Invitae), Labcorp); PubMed 27627812 (cited by Labcorp Genetics (formerly Invitae), Labcorp).

NM_033380.3(COL4A5):c.1138G>C (p.Gly380Arg)

Gene: COL4A5 (collagen type IV alpha 5 chain; plus strand). Cytogenetic location: Xq22.3.
Variant type: single nucleotide variant.
Coding change: c.1138G>C on transcript NM_033380.3 (MANE Select); coding-DNA position 1138, G replaced by C.
Protein change: p.Gly380Arg; replaces glycine 380 with arginine.
Molecular consequence: missense variant.
Genome position (GRCh38, 1-based): chrX:108,586,720, G>C. VCF-style: chrX-108586720-G-C. GRCh37 (hg19) VCF-style: chrX-107829950-G-C.
Other names: c.1138G>C, p.Gly380Arg (NM_000495.5); c.1138G>C (NM_033380.2); short protein forms G380R.
Identifiers: ClinVar variation 949477 (VCV000949477.10), dbSNP rs2066342908, ClinGen allele CA413930847.